The following is an entry in ClinVar:

ClinVar aggregate classification (germline): Uncertain significance (1 of 4 stars; one submission).

Conditions:
Hereditary cancer-predisposing syndrome. Also called: Neoplastic Syndromes, Hereditary; Tumor predisposition; Hereditary Cancer Syndrome; Hereditary neoplastic syndrome. Identifiers: Orphanet 140162, MedGen C0027672, MeSH D009386, MONDO:0015356.

Submission:

Ambry Genetics
Classification: Uncertain significance for Hereditary cancer-predisposing syndrome. Last evaluated: 2018-12-03. Review status: criteria provided, single submitter. Criteria: Ambry Variant Classification Scheme 2023. Collection method: clinical testing. Allele origin: germline.
Comment: The c.2414_2431dup18 variant (also known as p.L805_I810dup), located in coding exon 14 of the DICER1 gene, results from an in-frame duplication of 18 nucleotides at nucleotide positions 2414 to 2431. This results in the duplication of 6 extra residues (LTAKPI) between codons 805 and 810. The duplicated amino acid region is highly conserved in available vertebrate species. Since supporting evidence is limited at this time, the clinical significance of this alteration remains unclear.

NM_177438.3(DICER1):c.2414_2431dup (p.Leu805_Ile810dup)

Gene: DICER1 (dicer 1, ribonuclease III; minus strand). Cytogenetic location: 14q32.13.
Variant type: Duplication.
Coding change: c.2414_2431dup on transcript NM_177438.3 (MANE Select); coding-DNA positions 2414 to 2431, 18 bases duplicated (TGACGGCCAAACCCATAC).
Protein change: p.Leu805_Ile810dup.
Molecular consequence: inframe insertion.
Genome position (GRCh38, 1-based): chr14:95,108,329-95,108,346, GTATGGGTTTGGCCGTCA duplicated on the plus strand (TGACGGCCAAACCCATAC on the coding strand, the reverse complement: DICER1 is on the minus strand); duplicating any 18 consecutive bases within chr14:95,108,329-95,108,350 gives the same sequence; the c. name uses the placement nearest the transcript's 3' end. VCF-style (leftmost placement, unchanged base first): chr14-95108328-G-GGTATGGGTTTGGCCGTCA. GRCh37 (hg19) VCF-style: chr14-95574665-G-GGTATGGGTTTGGCCGTCA.
Other names: c.2414_2431dup, p.Leu805_Ile810dup (NM_001195573.1, NM_001271282.3, NM_001291628.2 and 1 more transcripts).
Identifiers: ClinVar variation 821142 (VCV000821142.4), dbSNP rs1595381829, ClinGen allele CA915946390.